The following is an entry in ClinVar:

ClinVar aggregate classification (germline): Pathogenic (1 of 4 stars; one submission).

Conditions:
Polyglandular autoimmune syndrome, type 1 (APS1). Also called: HYPOADRENOCORTICISM WITH HYPOPARATHYROIDISM AND SUPERFICIAL MONILIASIS; Autoimmune polyendocrinopathy syndrome, type I; PGA I; Whitaker syndrome; Autoimmune polyendocrinopathy syndrome , type I, with or without reversible metaphyseal dysplasia; AUTOIMMUNE POLYENDOCRINE SYNDROME, TYPE I, WITH OR WITHOUT REVERSIBLE METAPHYSEAL DYSPLASIA. Identifiers: Orphanet 3453, MedGen C0085859, MONDO:0009411, OMIM 240300.

Submission:

Labcorp Genetics (formerly Invitae), Labcorp
Classification: Pathogenic for Polyglandular autoimmune syndrome, type 1. Last evaluated: 2021-12-24. Review status: criteria provided, single submitter. Criteria: Invitae Variant Classification Sherloc (09022015). Collection method: clinical testing. Allele origin: germline.
Comment: For these reasons, this variant has been classified as Pathogenic. This variant has not been reported in the literature in individuals affected with AIRE-related conditions. This variant is not present in population databases (gnomAD no frequency). This sequence change creates a premature translational stop signal (p.Ser476*) in the AIRE gene. It is expected to result in an absent or disrupted protein product. Loss-of-function variants in AIRE are known to be pathogenic (PMID: 11524731, 26141571).

Literature cited by the submitters: PubMed 11524731; PubMed 26141571.

NM_000383.4(AIRE):c.1427C>G (p.Ser476Ter)

Gene: AIRE (autoimmune regulator; plus strand). Cytogenetic location: 21q22.3.
Variant type: single nucleotide variant.
Coding change: c.1427C>G on transcript NM_000383.4 (MANE Select); coding-DNA position 1427, C replaced by G.
Protein change: p.Ser476Ter; replaces serine 476 with a stop codon.
Molecular consequence: nonsense.
Genome position (GRCh38, 1-based): chr21:44,294,427, C>G. VCF-style: chr21-44294427-C-G. GRCh37 (hg19) VCF-style: chr21-45714310-C-G.
Other names: short protein forms S476*.
Identifiers: ClinVar variation 2057369 (VCV002057369.4), dbSNP rs754217318, ClinGen allele CA410425899.